The following is an entry in ClinVar:

ClinVar aggregate classification (germline): Uncertain significance (1 of 4 stars; one submission).

Conditions:
ALG12-congenital disorder of glycosylation (CDG1G). Also called: ALG12-CDG; CDG Ig; Congenital disorder of glycosylation, type Ig. Identifiers: Orphanet 79324, MedGen C2931001, MONDO:0011783, OMIM 607143.

Allele frequency attached by ClinVar (database versions not stated): gnomAD exomes below 0.00001.
gnomAD v4.1: 1 of 1,614,158 alleles (0.000062%); no homozygotes.

Submission:

Labcorp Genetics (formerly Invitae), Labcorp
Classification: Uncertain significance for ALG12-congenital disorder of glycosylation. Last evaluated: 2021-05-10. Review status: criteria provided, single submitter. Criteria: Invitae Variant Classification Sherloc (09022015). Collection method: clinical testing. Allele origin: germline.
Comment: This sequence change replaces leucine with proline at codon 301 of the ALG12 protein (p.Leu301Pro). The leucine residue is highly conserved and there is a moderate physicochemical difference between leucine and proline. This variant is not present in population databases (ExAC no frequency). This variant has not been reported in the literature in individuals with ALG12-related conditions. Algorithms developed to predict the effect of missense changes on protein structure and function (SIFT, PolyPhen-2, Align-GVGD) all suggest that this variant is likely to be disruptive, but these predictions have not been confirmed by published functional studies and their clinical significance is uncertain. In summary, the available evidence is currently insufficient to determine the role of this variant in disease. Therefore, it has been classified as a Variant of Uncertain Significance.

NM_024105.4(ALG12):c.902T>C (p.Leu301Pro)

Gene: ALG12 (ALG12 alpha-1,6-mannosyltransferase; minus strand). Cytogenetic location: 22q13.33.
Variant type: single nucleotide variant.
Coding change: c.902T>C on transcript NM_024105.4 (MANE Select); coding-DNA position 902, T replaced by C.
Protein change: p.Leu301Pro; replaces leucine 301 with proline.
Molecular consequence: missense variant.
Genome position (GRCh38, 1-based): chr22:49,907,811, A>G on the plus strand (T>C on the coding strand, the complement: ALG12 is on the minus strand). VCF-style: chr22-49907811-A-G. GRCh37 (hg19) VCF-style: chr22-50301459-A-G.
Other names: short protein forms L301P.
Identifiers: ClinVar variation 1416214 (VCV001416214.8), dbSNP rs1265937339, ClinGen allele CA412073665.